The following is an entry in ClinVar:

NM_002608.4(PDGFB):c.157G>A (p.Gly53Arg)

Gene: PDGFB (platelet derived growth factor subunit B; minus strand). Cytogenetic location: 22q13.1.
Variant type: single nucleotide variant.
Coding change: c.157G>A on transcript NM_002608.4 (MANE Select); coding-DNA position 157, G replaced by A.
Protein change: p.Gly53Arg; replaces glycine 53 with arginine.
Molecular consequence: missense variant.
Genome position (GRCh38, 1-based): chr22:39,235,781, C>T on the plus strand (G>A on the coding strand, the complement: PDGFB is on the minus strand). VCF-style: chr22-39235781-C-T. GRCh37 (hg19) VCF-style: chr22-39631786-C-T.
Other names: c.112G>A, p.Gly38Arg (NM_033016.3); short protein forms G53R, G38R.
Identifiers: ClinVar variation 709709 (VCV000709709.18), dbSNP rs148252800, ClinGen allele CA10240243.

ClinVar aggregate classification (germline): Benign/Likely benign. Review status: criteria provided, multiple submitters, no conflicts (2 of 4 stars). 3 submissions from 3 submitters: Benign (1); Likely benign (2). Last evaluated 2026-01-12.

Allele frequency attached by ClinVar (database versions not stated): 1000 Genomes Project 30x 0.00031; 1000 Genomes Project 0.00040; TOPMed 0.00040; ESP Exome Variant Server 0.00062; gnomAD 0.00151 and 0.00152; ExAC 0.00163; gnomAD exomes 0.00194.
gnomAD v4.1: 1,820 of 1,610,902 alleles (0.11%); highest among the groups gnomAD compares: Non-Finnish European, 0.062%; 9 homozygotes.

Submissions (3):

Labcorp Genetics (formerly Invitae), Labcorp
Classification: Benign. Last evaluated: 2026-01-12. Review status: criteria provided, single submitter. Criteria: Invitae Variant Classification Sherloc (09022015). Collection method: clinical testing. Allele origin: germline.

CeGaT Center for Human Genetics Tuebingen
Classification: Likely benign. Last evaluated: 2025-03-01. Review status: criteria provided, single submitter. Criteria: CeGaT Center For Human Genetics Tuebingen Variant Classification Criteria Version 2. Collection method: clinical testing. Allele origin: germline. Affected: yes. Observed: 1 variant allele.
Comment: PDGFB: BP4

Blueprint Genetics
Classification: Likely benign. Last evaluated: 2024-11-08. Review status: criteria provided, single submitter. Criteria: ACMG Guidelines, 2015. Collection method: clinical testing. Allele origin: germline.